The following is an entry in ClinVar:

ClinVar aggregate classification (germline): Pathogenic (1 of 4 stars; one submission).

Conditions:
Joubert syndrome. Also called: CEREBELLOPARENCHYMAL DISORDER IV; JOUBERT-BOLTSHAUSER SYNDROME; Familial aplasia of the vermis. Identifiers: Orphanet 475, MedGen C5979921, MONDO:0018772.
Meckel-Gruber syndrome. Also called: DYSENCEPHALIA SPLANCHNOCYSTICA; GRUBER SYNDROME; Dysencephalia splachnocystica. Identifiers: Orphanet 564, MedGen C0265215, MONDO:0018921.

Submission:

Labcorp Genetics (formerly Invitae), Labcorp
Classification: Pathogenic for Joubert syndrome; Meckel-Gruber syndrome. Last evaluated: 2022-05-01. Review status: criteria provided, single submitter. Criteria: Invitae Variant Classification Sherloc (09022015). Collection method: clinical testing. Allele origin: germline.
Comment: For these reasons, this variant has been classified as Pathogenic. This variant has not been reported in the literature in individuals affected with RPGRIP1L-related conditions. This variant is not present in population databases (gnomAD no frequency). This sequence change creates a premature translational stop signal (p.Asn424Ilefs*22) in the RPGRIP1L gene. It is expected to result in an absent or disrupted protein product. Loss-of-function variants in RPGRIP1L are known to be pathogenic (PMID: 17558409).

Literature cited by the submitters: PubMed 17558409.

NM_015272.5(RPGRIP1L):c.1271del (p.Asn424fs)

Gene: RPGRIP1L (RPGRIP1 like; minus strand). Cytogenetic location: 16q12.2.
Variant type: Deletion.
Coding change: c.1271del on transcript NM_015272.5 (MANE Select); coding-DNA position 1271, one base deleted (A; older notation c.1271delA).
Protein change: p.Asn424fs; shifts the reading frame from asparagine 424.
Molecular consequence: frameshift variant.
Genome position (GRCh38, 1-based): chr16:53,658,851, T deleted on the plus strand (A on the coding strand, the reverse complement: RPGRIP1L is on the minus strand); the first of 2 consecutive T bases (chr16:53,658,851-53,658,852); deleting either gives the same sequence. VCF-style (leftmost placement, unchanged base first): chr16-53658850-AT-A. GRCh37 (hg19) VCF-style: chr16-53692762-AT-A.
Other names: c.1271del, p.Asn424fs (NM_001127897.4, NM_001308334.3, NM_001330538.2); short protein forms N424fs.
Identifiers: ClinVar variation 2130115 (VCV002130115.4), dbSNP rs2544310470, ClinGen allele CA2580091712.